The following is an entry in ClinVar:

NM_000419.5(ITGA2B):c.1618del (p.Gln540fs)

Gene: ITGA2B (integrin subunit alpha 2b; minus strand). Cytogenetic location: 17q21.31.
Variant type: Deletion.
Coding change: c.1618del on transcript NM_000419.5 (MANE Select); coding-DNA position 1618, one base deleted (C; older notation c.1618delC).
Protein change: p.Gln540fs; shifts the reading frame from glutamine 540.
Molecular consequence: frameshift variant.
Genome position (GRCh38, 1-based): chr17:44,380,136, G deleted on the plus strand (C on the coding strand, the reverse complement: ITGA2B is on the minus strand). VCF-style (leftmost placement, unchanged base first): chr17-44380135-TG-T. GRCh37 (hg19) VCF-style: chr17-42457503-TG-T.
Other names: short protein forms Q540fs.
Identifiers: ClinVar variation 996199 (VCV000996199.3), dbSNP rs2048581747, ClinGen allele CA915940790.
Genomic context (GRCh38, chr17:44,380,135, plus strand): 5'-GCCTGTTGAGAGCCCAGCAGCAGCACCCGCCGGCCCTGGCGGGGCTTCTGCCGGTCCAGC[TG>T]CAGCTCGGCATTTAGGGCTGGCAGGGCAAGCAGAAGAGTCAGGACCTCCCTGGCCAGCCT-3'

ClinVar aggregate classification (germline): Pathogenic. Review status: reviewed by expert panel (3 of 4 stars). 2 submissions from 2 submitters: Pathogenic (1). 1 of the submissions does not count toward it. Last evaluated 2020-08-12.

Conditions:
Glanzmann thrombasthenia. Also called: Glanzmann's thrombasthenia; PLATELET GLYCOPROTEIN IIb-IIIa DEFICIENCY; BLEEDING DISORDER, PLATELET-TYPE, 2; THROMBASTHENIA OF GLANZMANN AND NAEGELI; Thrombasthenia. Identifiers: Orphanet 849, MedGen C0040015, MONDO:0100326.

Allele frequency attached by ClinVar (database versions not stated): gnomAD 0.00001; TOPMed 0.00001.

Submissions (2):

ClinGen Platelet Disorders Variant Curation Expert Panel, ClinGen
Classification: Pathogenic for Glanzmann thrombasthenia. Last evaluated: 2020-08-12. Review status: reviewed by expert panel. Criteria: ClinGen Platelet ACMG Specifications v2. Collection method: curation. Allele origin: germline. Inheritance: Autosomal recessive inheritance.
Comment: The NM_000419.5:c.1618del variant in ITGA2B causes a frameshift and premature termination, Gln540SerfsTer25, with nonsense-mediated mRNA decay predicted. The variant is absent in population databases including gnomAD v2.1.1 and v3. Functional evidence from transfection studies in BHK cells show that the variant results in absent integrin expression. In summary, the variant meets criteria to be classified as pathogenic. GT-specific criteria applied: PVS1, PS3, PM2_Supporting, PM3_Supporting.

Labcorp Genetics (formerly Invitae), Labcorp
Classification: Pathogenic for Glanzmann thrombasthenia. Last evaluated: 2025-09-20. Review status: criteria provided, single submitter. Criteria: Invitae Variant Classification Sherloc (09022015). Collection method: clinical testing. Allele origin: germline. Not counted in ClinVar's aggregate classification.
Comment: This sequence change creates a premature translational stop signal (p.Gln540Serfs*25) in the ITGA2B gene. It is expected to result in an absent or disrupted protein product. Loss-of-function variants in ITGA2B are known to be pathogenic (PMID: 21917754). This variant is not present in population databases (gnomAD no frequency). This premature translational stop signal has been observed in individual(s) with autosomal recessive Glanzmann thrombasthenia (PMID: 15886807). This variant is also known as 1619delC. ClinVar contains an entry for this variant (Variation ID: 996199). For these reasons, this variant has been classified as Pathogenic.

Literature cited by the submitters: PubMed 15886807 (cited by ClinGen Platelet Disorders Variant Curation Expert Panel, ClinGen and Labcorp Genetics (formerly Invitae), Labcorp); PubMed 21917754 (cited by Labcorp Genetics (formerly Invitae), Labcorp).